The following is an entry in ClinVar:

ClinVar aggregate classification (germline): Uncertain significance (1 of 4 stars; one submission).

Conditions:
Sulfite oxidase deficiency due to molybdenum cofactor deficiency type C. Also called: Molybdenum cofactor deficiency, complementation group C; Molybdenum cofactor deficiency C. Identifiers: Orphanet 308400, Orphanet 833, MedGen C1854990, MONDO:0014212, OMIM 615501.

Submission:

Labcorp Genetics (formerly Invitae), Labcorp
Classification: Uncertain significance for Sulfite oxidase deficiency due to molybdenum cofactor deficiency type C. Last evaluated: 2022-07-19. Review status: criteria provided, single submitter. Criteria: Invitae Variant Classification Sherloc (09022015). Collection method: clinical testing. Allele origin: germline.
Comment: In summary, the available evidence is currently insufficient to determine the role of this variant in disease. Therefore, it has been classified as a Variant of Uncertain Significance. This variant is a gross deletion of the genomic region encompassing exon(s) 4-8 of the GPHN gene. This variant would be expected to be in-frame, preserving the integrity of the reading frame. This variant has not been reported in the literature in individuals affected with GPHN-related conditions. Experimental studies and prediction algorithms are not available or were not evaluated, and the functional significance of this variant is currently unknown.

NC_000014.8:g.(?_67291172)_(67391029_?)del

Gene: GPHN (gephyrin; plus strand). Cytogenetic location: 14q23.3.
Variant type: Deletion.
Identifiers: ClinVar variation 1401555 (VCV001401555.7).